The following is an entry in ClinVar:

NM_000393.5(COL5A2):c.4163C>T (p.Thr1388Ile)

Gene: COL5A2 (collagen type V alpha 2 chain; minus strand). Cytogenetic location: 2q32.2.
Variant type: single nucleotide variant.
Coding change: c.4163C>T on transcript NM_000393.5 (MANE Select); coding-DNA position 4163, C replaced by T.
Protein change: p.Thr1388Ile; replaces threonine 1388 with isoleucine.
Molecular consequence: missense variant.
Genome position (GRCh38, 1-based): chr2:189,035,106, G>A on the plus strand (C>T on the coding strand, the complement: COL5A2 is on the minus strand). VCF-style: chr2-189035106-G-A. GRCh37 (hg19) VCF-style: chr2-189899832-G-A.
Other names: short protein forms T1388I.
Identifiers: ClinVar variation 408292 (VCV000408292.9), dbSNP rs771415085, ClinGen allele CA16610672.

ClinVar aggregate classification (germline): Uncertain significance (1 of 4 stars; one submission).

Conditions:
Ehlers-Danlos syndrome, classic type, 1 (EDSCL1). Also called: EHLERS-DANLOS SYNDROME, GRAVIS TYPE; EHLERS-DANLOS SYNDROME, SEVERE CLASSIC TYPE; Ehlers-Danlos Syndrome, Classic Type, COL5A1-Related; EDS I; Ehlers-Danlos syndrome, type 1. Identifiers: MedGen C0268335, MONDO:0019567, OMIM 130000.

Submission:

Labcorp Genetics (formerly Invitae), Labcorp
Classification: Uncertain significance for Ehlers-Danlos syndrome, classic type, 1. Last evaluated: 2023-06-24. Review status: criteria provided, single submitter. Criteria: Invitae Variant Classification Sherloc (09022015). Collection method: clinical testing. Allele origin: germline.
Comment: This sequence change replaces threonine, which is neutral and polar, with isoleucine, which is neutral and non-polar, at codon 1388 of the COL5A2 protein (p.Thr1388Ile). This variant is not present in population databases (gnomAD no frequency). This variant has not been reported in the literature in individuals affected with COL5A2-related conditions. ClinVar contains an entry for this variant (Variation ID: 408292). Advanced modeling of protein sequence and biophysical properties (such as structural, functional, and spatial information, amino acid conservation, physicochemical variation, residue mobility, and thermodynamic stability) performed at Invitae indicates that this missense variant is not expected to disrupt COL5A2 protein function. In summary, the available evidence is currently insufficient to determine the role of this variant in disease. Therefore, it has been classified as a Variant of Uncertain Significance.